The following is an entry in ClinVar:

NM_001166108.2(PALLD):c.2194A>C (p.Asn732His)

Genes: CBR4 (carbonyl reductase 4; minus strand), PALLD (palladin, cytoskeletal associated protein; plus strand). Cytogenetic location: 4q32.3.
Variant type: single nucleotide variant.
Coding change: c.2194A>C on transcript NM_001166108.2 (MANE Select); coding-DNA position 2194, A replaced by C.
Protein change: p.Asn732His; replaces asparagine 732 with histidine.
Molecular consequence: missense variant.
Genome position (GRCh38, 1-based): chr4:168,894,672, A>C. VCF-style: chr4-168894672-A-C. GRCh37 (hg19) VCF-style: chr4-169815823-A-C.
Other names: c.1048A>C, p.Asn350His (NM_001166109.2); c.733A>C, p.Asn245His (NM_001166110.2); c.73A>C, p.Asn25His (NM_001367567.1, NM_001367568.1, NM_001367569.1 and 1 more transcripts); c.2194A>C, p.Asn732His (NM_016081.4); short protein forms N245H, N350H, N25H, N732H.
Identifiers: ClinVar variation 3927559 (VCV003927559.1).

ClinVar aggregate classification (germline): Uncertain significance (1 of 4 stars; one submission).

gnomAD v4.1: 5 of 1,613,220 alleles (0.00031%); highest among the groups gnomAD compares: Non-Finnish European, 0.00042%; no homozygotes.

Submission:

Ambry Genetics
Classification: Uncertain significance. Last evaluated: 2025-05-24. Review status: criteria provided, single submitter. Criteria: Ambry Variant Classification Scheme 2023. Collection method: clinical testing. Allele origin: germline.
Comment: The p.N245H variant (also known as c.733A>C), located in coding exon 3 of the PALLD gene, results from an A to C substitution at nucleotide position 733. The asparagine at codon 245 is replaced by histidine, an amino acid with similar properties. This amino acid position is conserved. In addition, this alteration is predicted to be tolerated by in silico analysis. Based on the available evidence, the clinical significance of this variant remains unclear.